The following is an entry in ClinVar:

NM_022765.4(MICAL1):c.991C>T (p.Gln331Ter)

Gene: MICAL1 (microtubule associated monooxygenase, calponin and LIM domain containing 1; minus strand). Cytogenetic location: 6q21.
Variant type: single nucleotide variant.
Coding change: c.991C>T on transcript NM_022765.4 (MANE Select); coding-DNA position 991, C replaced by T.
Protein change: p.Gln331Ter; replaces glutamine 331 with a stop codon.
Molecular consequence: nonsense. On other transcripts: intron variant (1).
Genome position (GRCh38, 1-based): chr6:109,450,500, G>A on the plus strand (C>T on the coding strand, the complement: MICAL1 is on the minus strand). VCF-style: chr6-109450500-G-A. GRCh37 (hg19) VCF-style: chr6-109771703-G-A.
Other names: c.1048C>T, p.Gln350Ter (NM_001286613.2); c.934-415C>T (NM_001159291.2); short protein forms Q331*, Q350*.
Identifiers: ClinVar variation 2427884 (VCV002427884.6), dbSNP rs756821057, ClinGen allele CA3953530.
Genomic context (GRCh38, chr6:109,450,500, plus strand): 5'-ACTCTAGTTTCCCGAGCTTGCCATGGGTGGCAAAGTCAGCAGCTGCCCGGGTAAAGCGCT[G>A]CAGAGCCTCGGGCACCACATTGGCACTGCCCAGCAGCCGATTGGTGTCTGGCCAGTCCTG-3'

ClinVar aggregate classification (germline): Uncertain significance (1 of 4 stars; one submission).

Allele frequency attached by ClinVar (database versions not stated): gnomAD exomes below 0.00001; ExAC 0.00001.
gnomAD v4.1: 1 of 1,613,064 alleles (0.000062%); highest among the groups gnomAD compares: Non-Finnish European, 0.000085%; no homozygotes.

Submission:

Labcorp Genetics (formerly Invitae), Labcorp
Classification: Uncertain significance. Last evaluated: 2024-10-29. Review status: criteria provided, single submitter. Criteria: Invitae Variant Classification Sherloc (09022015). Collection method: clinical testing. Allele origin: germline.
Comment: This sequence change creates a premature translational stop signal (p.Gln350*) in the MICAL1 gene. It is expected to result in an absent or disrupted protein product. However, the current clinical and genetic evidence is not sufficient to establish whether loss-of-function variants in MICAL1 cause disease. This variant is present in population databases (rs756821057, gnomAD 0.0009%). This variant has not been reported in the literature in individuals affected with MICAL1-related conditions. ClinVar contains an entry for this variant (Variation ID: 2427884). In summary, the available evidence is currently insufficient to determine the role of this variant in disease. Therefore, it has been classified as a Variant of Uncertain Significance.